The following is an entry in ClinVar:

NM_000051.4(ATM):c.7339T>C (p.Leu2447=)

Genes: ATM (ATM serine/threonine kinase; plus strand), C11orf65 (chromosome 11 open reading frame 65; minus strand). Cytogenetic location: 11q22.3.
Variant type: single nucleotide variant.
Coding change: c.7339T>C on transcript NM_000051.4 (MANE Select); coding-DNA position 7339, T replaced by C.
Protein change: p.Leu2447=; no amino-acid change (leucine 2447 retained).
Molecular consequence: synonymous variant. On other transcripts: intron variant (2).
Genome position (GRCh38, 1-based): chr11:108,330,245, T>C. VCF-style: chr11-108330245-T-C. GRCh37 (hg19) VCF-style: chr11-108200972-T-C.
Other names: c.7339T>C, p.Leu2447= (NM_001351834.2); c.641-21174A>G (NM_001330368.2); c.*38+4975A>G (NM_001351110.2).
Identifiers: ClinVar variation 1085221 (VCV001085221.12), dbSNP rs1591159997, ClinGen allele CA476676842.
Genomic context (GRCh38, chr11:108,330,245, plus strand): 5'-TGTGTTTTACCTTAATTATTCTATGCAAGATACACAGTAAAGGTTCAGCGAGAGCTGGAG[T>C]TGGATGAATTAGCCCTGCGTGCACTGAAAGAGGATCGTAAACGCTTCTTATGTAAAGCAG-3'
Protein context (NP_000042.3, residues 2437-2457): YTVKVQRELE[Leu2447=]DELALRALKE

ClinVar aggregate classification (germline): Benign/Likely benign. Review status: criteria provided, multiple submitters, no conflicts (2 of 4 stars). 3 submissions from 3 submitters: Benign (1); Likely benign (2). Last evaluated 2026-01-26.

Conditions:
Familial cancer of breast. Also called: Hereditary breast cancer; hereditary breast carcinoma; BREAST CANCER, FAMILIAL. Identifiers: Orphanet 227535, MedGen C0346153, MONDO:0016419, OMIM 114480. Disease mechanism: loss of function.
Hereditary cancer-predisposing syndrome. Also called: Neoplastic Syndromes, Hereditary; Tumor predisposition; Hereditary Cancer Syndrome; Hereditary neoplastic syndrome. Identifiers: Orphanet 140162, MedGen C0027672, MeSH D009386, MONDO:0015356.
Ataxia-telangiectasia syndrome (AT). Also called: Ataxia telangiectasia (A-T); ATAXIA-TELANGIECTASIA, COMPLEMENTATION GROUP A; ATAXIA-TELANGIECTASIA, FRESNO VARIANT; Ataxia-telangiectasia; Ataxia-telangiectasia, complementation group E; LOUIS-BAR SYNDROME. Identifiers: Orphanet 100, MedGen C0004135, MONDO:0008840, OMIM 208900.

Submissions (3):

Labcorp Genetics (formerly Invitae), Labcorp
Classification: Likely benign for Ataxia-telangiectasia syndrome. Last evaluated: 2026-01-26. Review status: criteria provided, single submitter. Criteria: Invitae Variant Classification Sherloc (09022015). Collection method: clinical testing. Allele origin: germline.

Myriad Genetics, Inc.
Classification: Benign for Familial cancer of breast. Last evaluated: 2024-06-13. Review status: criteria provided, single submitter. Criteria: Myriad Autosomal Dominant, Autosomal Recessive and X-Linked Classification Criteria (2023). Collection method: clinical testing. Allele origin: unknown.
Comment: This variant is considered benign. This variant is a silent/synonymous amino acid change and it is not expected to impact splicing.

Ambry Genetics
Classification: Likely benign for Hereditary cancer-predisposing syndrome. Last evaluated: 2020-10-06. Review status: criteria provided, single submitter. Criteria: Ambry Variant Classification Scheme 2023. Collection method: clinical testing. Allele origin: germline.